The following is an entry in ClinVar:

NM_000059.4(BRCA2):c.37_38insT (p.Glu13fs)

Gene: BRCA2 (BRCA2 DNA repair associated; plus strand). Cytogenetic location: 13q13.1.
Variant type: Insertion.
Coding change: c.37_38insT on transcript NM_000059.4 (MANE Select); coding-DNA positions 37 to 38, T inserted.
Protein change: p.Glu13fs; shifts the reading frame from glutamic acid 13.
Molecular consequence: frameshift variant.
Genome position: GRCh38 VCF-style: chr13-32316497-G-GT. GRCh37 (hg19) VCF-style: chr13-32890634-G-GT.
Other names: 265insT; short protein forms E13fs.
Identifiers: ClinVar variation 125980 (VCV000125980.2), dbSNP rs80359400, ClinGen allele CA018683.

ClinVar aggregate classification (germline): Pathogenic. Review status: reviewed by expert panel (3 of 4 stars). 3 submissions from 3 submitters: Pathogenic (1). 2 of the submissions do not count toward it. Last evaluated 2016-09-08.

Conditions:
Hereditary breast ovarian cancer syndrome. Also called: Hereditary breast and ovarian cancer; Hereditary breast and/or ovarian cancer syndrome; BRCA1- and BRCA2-Associated Hereditary Breast and Ovarian Cancer; Hereditary breast and ovarian cancer syndrome; Hereditary breast and ovarian cancer syndrome (HBOC); Breast and ovarian cancer. Identifiers: Orphanet 145, MedGen C0677776, MeSH D061325, MONDO:0003582. Disease mechanism: loss of function.
Breast-ovarian cancer, familial, susceptibility to, 2 (BROVCA2). Also called: BRCA2 Hereditary Breast and Ovarian Cancer. Identifiers: Orphanet 145, MedGen C2675520, MONDO:0012933, OMIM 612555. Disease mechanism: loss of function.

Submissions (3):

Evidence-based Network for the Interpretation of Germline Mutant Alleles (ENIGMA)
Classification: Pathogenic for Breast-ovarian cancer, familial, susceptibility to, 2. Last evaluated: 2016-09-08. Review status: reviewed by expert panel. Criteria: ENIGMA BRCA1/2 Classification Criteria (2015). Collection method: curation. Allele origin: germline.
Comment: Variant allele predicted to encode a truncated non-functional protein.

Research Molecular Genetics Laboratory, Women's College Hospital, University of Toronto
Classification: Pathogenic for Hereditary breast ovarian cancer syndrome. Last evaluated: 2014-01-31. Review status: no assertion criteria provided. Collection method: research. Allele origin: germline. Affected: yes. Study: The Canadian Open Genetics Repository (COGR). Not counted in ClinVar's aggregate classification.

Breast Cancer Information Core (BIC) (BRCA2)
Classification: Pathogenic for Breast-ovarian cancer, familial 2. Review status: no assertion criteria provided. Collection method: clinical testing. Allele origin: germline. Affected: yes. Observed: 2 variant alleles. Not counted in ClinVar's aggregate classification.